The following is an entry in ClinVar:

ClinVar aggregate classification (germline): Pathogenic. Review status: criteria provided, multiple submitters, no conflicts (2 of 4 stars). 4 submissions from 4 submitters: Pathogenic (4). Last evaluated 2023-09-12.

Conditions:
Hereditary cancer-predisposing syndrome. Also called: Hereditary neoplastic syndrome; Neoplastic Syndromes, Hereditary; Hereditary Cancer Syndrome; Tumor predisposition. Identifiers: Orphanet 140162, MedGen C0027672, MeSH D009386, MONDO:0015356.
Familial cancer of breast. Also called: BREAST CANCER, FAMILIAL; Hereditary breast cancer; hereditary breast carcinoma. Identifiers: Orphanet 227535, MedGen C0346153, MONDO:0016419, OMIM 114480. Disease mechanism: loss of function.

Submissions (4):

Myriad Genetics, Inc.
Classification: Pathogenic for Familial cancer of breast. Last evaluated: 2023-09-12. Review status: criteria provided, single submitter. Criteria: Myriad Autosomal Dominant, Autosomal Recessive and X-Linked Classification Criteria (2023). Collection method: clinical testing. Allele origin: unknown.
Comment: This variant is considered pathogenic. This variant creates a termination codon and is predicted to result in premature protein truncation.

Ambry Genetics
Classification: Pathogenic for Hereditary cancer-predisposing syndrome. Last evaluated: 2022-08-02. Review status: criteria provided, single submitter. Criteria: Ambry Variant Classification Scheme 2023. Collection method: clinical testing. Allele origin: germline.
Comment: The p.K662* pathogenic mutation (also known as c.1984A>T), located in coding exon 5 of the PALB2 gene, results from an A to T substitution at nucleotide position 1984. This changes the amino acid from a lysine to a stop codon within coding exon 5. This alteration has been reported in individuals with breast cancer, including male breast cancer (Nguyen-Dumont T et al. Breast Cancer Res Treat, 2015 Jan;149:547-54; Rizzolo P et al. Int J Cancer, 2019 07;145:390-400). This variant is considered to be rare based on population cohorts in the Genome Aggregation Database (gnomAD). In addition to the clinical data presented in the literature, this alteration is expected to result in loss of function by premature protein truncation or nonsense-mediated mRNA decay. As such, this alteration is interpreted as a disease-causing mutation.

Color Diagnostics, LLC DBA Color Health
Classification: Pathogenic for Hereditary cancer-predisposing syndrome. Last evaluated: 2020-01-15. Review status: criteria provided, single submitter. Criteria: ACMG Guidelines, 2015. Collection method: clinical testing. Allele origin: germline.
Comment: This variant changes 1 nucleotide in exon 5 of the PALB2 gene, creating a premature translation stop signal. This variant is expected to result in an absent or non-functional protein product. This variant has not been identified in the general population by the Genome Aggregation Database (gnomAD). Loss of PALB2 function is a known mechanism of disease. Based on the available evidence, this variant is classified as Pathogenic.

Labcorp Genetics (formerly Invitae), Labcorp
Classification: Pathogenic for Familial cancer of breast. Last evaluated: 2018-04-05. Review status: criteria provided, single submitter. Criteria: Invitae Variant Classification Sherloc (09022015). Collection method: clinical testing. Allele origin: germline.
Comment: This variant has been reported in individuals with a personal and/or family history of breast and other cancers (PMID: 25575445, 27648926). This variant is not present in population databases (ExAC no frequency). This sequence change creates a premature translational stop signal (p.Lys662*) in the PALB2 gene. It is expected to result in an absent or disrupted protein product. Loss-of-function variants in PALB2 are known to be pathogenic (PMID: 17200668, 24136930, 25099575). For these reasons, this variant has been classified as Pathogenic.

Literature cited by the submitters: PubMed 25575445 (cited by Ambry Genetics and Labcorp Genetics (formerly Invitae), Labcorp); PubMed 30613976 (cited by Ambry Genetics); PubMed 27648926 (cited by Labcorp Genetics (formerly Invitae), Labcorp); PubMed 17200668 (cited by Labcorp Genetics (formerly Invitae), Labcorp); PubMed 24136930 (cited by Labcorp Genetics (formerly Invitae), Labcorp); PubMed 25099575 (cited by Labcorp Genetics (formerly Invitae), Labcorp).

NM_024675.4(PALB2):c.1984A>T (p.Lys662Ter)

Gene: PALB2 (partner and localizer of BRCA2; minus strand). Cytogenetic location: 16p12.2.
Variant type: single nucleotide variant.
Coding change: c.1984A>T on transcript NM_024675.4 (MANE Select); coding-DNA position 1984, A replaced by T.
Protein change: p.Lys662Ter; replaces lysine 662 with a stop codon.
Molecular consequence: nonsense.
Genome position (GRCh38, 1-based): chr16:23,630,170, T>A on the plus strand (A>T on the coding strand, the complement: PALB2 is on the minus strand). VCF-style: chr16-23630170-T-A. GRCh37 (hg19) VCF-style: chr16-23641491-T-A.
Other names: short protein forms K662*.
Identifiers: ClinVar variation 530125 (VCV000530125.16), dbSNP rs1555460533, ClinGen allele CA395127256.